The following is an entry in ClinVar:

NM_000059.4(BRCA2):c.7058G>T (p.Gly2353Val)

Gene: BRCA2 (BRCA2 DNA repair associated; plus strand). Cytogenetic location: 13q13.1.
Variant type: single nucleotide variant.
Coding change: c.7058G>T on transcript NM_000059.4 (MANE Select); coding-DNA position 7058, G replaced by T.
Protein change: p.Gly2353Val; replaces glycine 2353 with valine.
Molecular consequence: missense variant.
Genome position (GRCh38, 1-based): chr13:32,354,911, G>T. VCF-style: chr13-32354911-G-T. GRCh37 (hg19) VCF-style: chr13-32929048-G-T.
Other names: short protein forms G2353V.
Identifiers: ClinVar variation 1057091 (VCV001057091.9), dbSNP rs2137555553, ClinGen allele CA387738332.
Genomic context (GRCh38, chr13:32,354,911, plus strand): 5'-CCCATTGCAGCACAACTAAGGAACGTCAAGAGATACAGAATCCAAATTTTACCGCACCTG[G>T]TCAAGAATTTCTGTCTAAATCTCATTTGTATGAACATCTGACTTTGGAAAAATCTTCAAG-3'
Protein context (NP_000050.3, residues 2343-2363): EIQNPNFTAP[Gly2353Val]QEFLSKSHLY

ClinVar aggregate classification (germline): Uncertain significance (1 of 4 stars; one submission).

Conditions:
Hereditary breast ovarian cancer syndrome. Also called: Hereditary breast and/or ovarian cancer syndrome; Hereditary breast and ovarian cancer syndrome; Hereditary breast and ovarian cancer syndrome (HBOC); Breast and ovarian cancer; Hereditary breast and ovarian cancer; BRCA1- and BRCA2-Associated Hereditary Breast and Ovarian Cancer. Identifiers: Orphanet 145, MedGen C0677776, MeSH D061325, MONDO:0003582. Disease mechanism: loss of function.

Submission:

Labcorp Genetics (formerly Invitae), Labcorp
Classification: Uncertain significance for Hereditary breast ovarian cancer syndrome. Last evaluated: 2020-07-22. Review status: criteria provided, single submitter. Criteria: Invitae Variant Classification Sherloc (09022015). Collection method: clinical testing. Allele origin: germline.
Comment: In summary, the available evidence is currently insufficient to determine the role of this variant in disease. Therefore, it has been classified as a Variant of Uncertain Significance. Advanced modeling of protein sequence and biophysical properties (such as structural, functional, and spatial information, amino acid conservation, physicochemical variation, residue mobility, and thermodynamic stability) performed at Invitae indicates that this missense variant is not expected to disrupt BRCA2 protein function. This variant has not been reported in the literature in individuals with BRCA2-related conditions. This variant is not present in population databases (ExAC no frequency). This sequence change replaces glycine with valine at codon 2353 of the BRCA2 protein (p.Gly2353Val). The glycine residue is weakly conserved and there is a moderate physicochemical difference between glycine and valine.